The following is an entry in ClinVar:

ClinVar aggregate classification (germline): Uncertain significance (1 of 4 stars; one submission).

Submission:

GeneDx
Classification: Uncertain significance. Last evaluated: 2025-07-25. Review status: criteria provided, single submitter. Criteria: GeneDx Variant Classification Process June 2021. Collection method: clinical testing. Allele origin: germline. Affected: yes.
Comment: Not observed at significant frequency in large population cohorts (gnomAD); Stop codon loss and change to an arginine codon, leading to protein extension and the addition of 39 amino acids at the C-terminus; Has not been previously published as pathogenic or benign to our knowledge

NM_000127.3(EXT1):c.2238_2239del (p.Ter747ArgextTer?)

Gene: EXT1 (exostosin glycosyltransferase 1; minus strand). Cytogenetic location: 8q24.11.
Variant type: Deletion.
Coding change: c.2238_2239del on transcript NM_000127.3 (MANE Select); coding-DNA positions 2238 to 2239, 2 bases deleted (TT; older notation c.2238_2239delTT).
Protein change: p.Ter747ArgextTer?.
Molecular consequence: frameshift variant. On other transcripts: stop lost (1).
Genome position (GRCh38, 1-based): chr8:117,799,714-117,799,715, AA deleted on the plus strand (TT on the coding strand, the reverse complement: EXT1 is on the minus strand); deleting any 2 consecutive bases within chr8:117,799,714-117,799,716 gives the same sequence; the c. name uses the placement nearest the transcript's 3' end. VCF-style (leftmost placement, unchanged base first): chr8-117799713-CAA-C. GRCh37 (hg19) VCF-style: chr8-118811952-CAA-C.
Other names: c.2237_2238delTT, p.Ter747Argfs (NM_000127.2).
Identifiers: ClinVar variation 4687096 (VCV004687096.1).